The following is an entry in ClinVar:

ClinVar aggregate classification (germline): Likely benign (1 of 4 stars; one submission).

Submission:

CeGaT Center for Human Genetics Tuebingen
Classification: Likely benign. Last evaluated: 2024-08-01. Review status: criteria provided, single submitter. Criteria: CeGaT Center For Human Genetics Tuebingen Variant Classification Criteria Version 2. Collection method: clinical testing. Allele origin: germline. Affected: yes. Observed: 1 variant allele.
Comment: PI4KA: BP4, BP7

NM_058004.4(PI4KA):c.5316G>A (p.Pro1772=)

Gene: PI4KA (phosphatidylinositol 4-kinase alpha; minus strand). Cytogenetic location: 22q11.21.
Variant type: single nucleotide variant.
Coding change: c.5316G>A on transcript NM_058004.4 (MANE Select); coding-DNA position 5316, G replaced by A.
Protein change: p.Pro1772=; no amino-acid change (proline 1772 retained).
Molecular consequence: synonymous variant.
Genome position (GRCh38, 1-based): chr22:20,717,709, C>T on the plus strand (G>A on the coding strand, the complement: PI4KA is on the minus strand). VCF-style: chr22-20717709-C-T. GRCh37 (hg19) VCF-style: chr22-21071997-C-T.
Other names: c.5223G>A, p.Pro1741= (NM_001362862.2); c.5250G>A, p.Pro1750= (NM_001362863.2).
Identifiers: ClinVar variation 3341658 (VCV003341658.16).